The following is an entry in ClinVar:

ClinVar aggregate classification (germline): Uncertain significance (1 of 4 stars; one submission).

Allele frequency attached by ClinVar (database versions not stated): TOPMed below 0.00001; gnomAD 0.00001.

Submission:

Labcorp Genetics (formerly Invitae), Labcorp
Classification: Uncertain significance. Last evaluated: 2022-07-19. Review status: criteria provided, single submitter. Criteria: Invitae Variant Classification Sherloc (09022015). Collection method: clinical testing. Allele origin: germline.
Comment: In summary, the available evidence is currently insufficient to determine the role of this variant in disease. Therefore, it has been classified as a Variant of Uncertain Significance. Experimental studies and prediction algorithms are not available or were not evaluated, and the functional significance of this variant is currently unknown. This variant has not been reported in the literature in individuals affected with ROM1-related conditions. This variant is present in population databases (no rsID available, gnomAD 0.01%). This sequence change affects the initiator methionine of the ROM1 mRNA. The next in-frame methionine is located at codon 271.

NM_000327.4(ROM1):c.2dup (p.Met1fs)

Gene: ROM1 (retinal outer segment membrane protein 1; plus strand). Cytogenetic location: 11q12.3.
Variant type: Duplication.
Coding change: c.2dup on transcript NM_000327.4 (MANE Select); coding-DNA position 2, one base duplicated (T; older notation c.2dupT).
Protein change: p.Met1fs; shifts the reading frame from methionine 1.
Molecular consequence: frameshift variant, initiator codon variant.
Genome position (GRCh38, 1-based): chr11:62,613,283, T duplicated. VCF-style (leftmost placement, unchanged base first): chr11-62613282-A-AT. GRCh37 (hg19) VCF-style: chr11-62380754-A-AT.
Other names: short protein forms M1fs.
Identifiers: ClinVar variation 2096363 (VCV002096363.5), dbSNP rs1449540551, ClinGen allele CA599797037.